The following is an entry in ClinVar:

ClinVar aggregate classification (germline): Uncertain significance (1 of 4 stars; one submission).

Conditions:
Dihydropteridine reductase deficiency (HPABH4C). Also called: DHPR DEFICIENCY; BH4-Deficient Hyperphenylalaninemia C; Hyperphenylalaninemia due to dihydropteridine reductase deficiency; Hyperphenylalaninemia, BH-4-deficient, C; Phenylketonuria type 2; HYPERPHENYLALANINEMIA, TETRAHYDROBIOPTERIN-DEFICIENT, DUE TO DHPR DEFICIENCY. Identifiers: Orphanet 226, Orphanet 238583, MedGen C0268465, MONDO:0009862, OMIM 261630.

Allele frequency attached by ClinVar (database versions not stated): 1000 Genomes Project 30x 0.00031; 1000 Genomes Project 0.00040.

Submission:

Labcorp Genetics (formerly Invitae), Labcorp
Classification: Uncertain significance for Dihydropteridine reductase deficiency. Last evaluated: 2021-12-15. Review status: criteria provided, single submitter. Criteria: Invitae Variant Classification Sherloc (09022015). Collection method: clinical testing. Allele origin: germline.
Comment: This sequence change replaces valine, which is neutral and non-polar, with isoleucine, which is neutral and non-polar, at codon 86 of the QDPR protein (p.Val86Ile). This variant is present in population databases (rs186929388, gnomAD 0.0009%). This variant has not been reported in the literature in individuals affected with QDPR-related conditions. Algorithms developed to predict the effect of missense changes on protein structure and function (SIFT, PolyPhen-2, Align-GVGD) all suggest that this variant is likely to be disruptive. In summary, the available evidence is currently insufficient to determine the role of this variant in disease. Therefore, it has been classified as a Variant of Uncertain Significance.

NM_000320.3(QDPR):c.256G>A (p.Val86Ile)

Gene: QDPR (quinoid dihydropteridine reductase; minus strand). Cytogenetic location: 4p15.32.
Variant type: single nucleotide variant.
Coding change: c.256G>A on transcript NM_000320.3 (MANE Select); coding-DNA position 256, G replaced by A.
Protein change: p.Val86Ile; replaces valine 86 with isoleucine.
Molecular consequence: missense variant. On other transcripts: non-coding transcript variant (1).
Genome position (GRCh38, 1-based): chr4:17,504,418, C>T on the plus strand (G>A on the coding strand, the complement: QDPR is on the minus strand). VCF-style: chr4-17504418-C-T. GRCh37 (hg19) VCF-style: chr4-17506041-C-T.
Other names: c.163G>A, p.Val55Ile (NM_001306140.2); short protein forms V55I, V86I.
Identifiers: ClinVar variation 1450852 (VCV001450852.3), dbSNP rs186929388, ClinGen allele CA2868168.